The following is an entry in ClinVar:

ClinVar aggregate classification (germline): Uncertain significance. Review status: criteria provided, multiple submitters, no conflicts (2 of 4 stars). 2 submissions from 2 submitters: Uncertain significance (2). Last evaluated 2025-05-02.

Conditions:
Christianson syndrome (MRXSCH). Also called: X-linked mental retardation, syndromic, Christianson type; INTELLECTUAL DEVELOPMENTAL DISORDER, X-LINKED, SYNDROMIC, CHRISTIANSON TYPE; SLC9A6-Related Syndromic Mental Retardation. Identifiers: Orphanet 85278, MedGen C2678194, MONDO:0010278, OMIM 300243.

Allele frequency attached by ClinVar (database versions not stated): gnomAD exomes 0.00001 and 0.00002; ExAC 0.00002; gnomAD 0.00003; TOPMed 0.00003.
gnomAD v4.1: 12 of 1,199,097 alleles (0.001%); highest among the groups gnomAD compares: African/African-American, 0.007%; no homozygotes.

Submissions (2):

Labcorp Genetics (formerly Invitae), Labcorp
Classification: Uncertain significance for Christianson syndrome. Last evaluated: 2025-05-02. Review status: criteria provided, single submitter. Criteria: Invitae Variant Classification Sherloc (09022015). Collection method: clinical testing. Allele origin: germline.
Comment: This sequence change replaces threonine, which is neutral and polar, with methionine, which is neutral and non-polar, at codon 372 of the SLC9A6 protein (p.Thr372Met). This variant is present in population databases (rs782819852, gnomAD 0.01%). This variant has not been reported in the literature in individuals affected with SLC9A6-related conditions. ClinVar contains an entry for this variant (Variation ID: 1395781). Invitae Evidence Modeling of protein sequence and biophysical properties (such as structural, functional, and spatial information, amino acid conservation, physicochemical variation, residue mobility, and thermodynamic stability) indicates that this missense variant is not expected to disrupt SLC9A6 protein function with a negative predictive value of 80%. In summary, the available evidence is currently insufficient to determine the role of this variant in disease. Therefore, it has been classified as a Variant of Uncertain Significance.

GeneDx
Classification: Uncertain significance. Last evaluated: 2023-08-02. Review status: criteria provided, single submitter. Criteria: GeneDx Variant Classification Process June 2021. Collection method: clinical testing. Allele origin: germline. Affected: yes.
Comment: In silico analysis supports that this missense variant does not alter protein structure/function; Has not been previously published as pathogenic or benign to our knowledge

NM_001379110.1(SLC9A6):c.1055C>T (p.Thr352Met)

Gene: SLC9A6 (solute carrier family 9 member A6; plus strand). Cytogenetic location: Xq26.3.
Variant type: single nucleotide variant.
Coding change: c.1055C>T on transcript NM_001379110.1 (MANE Select); coding-DNA position 1055, C replaced by T.
Protein change: p.Thr352Met; replaces threonine 352 with methionine.
Molecular consequence: missense variant.
Genome position (GRCh38, 1-based): chrX:136,013,412, C>T. VCF-style: chrX-136013412-C-T. GRCh37 (hg19) VCF-style: chrX-135095571-C-T.
Other names: c.1211C>T, p.Thr404Met (NM_001042537.2); c.1055C>T, p.Thr352Met (NM_001177651.2); c.959C>T, p.Thr320Met (NM_001330652.2); c.1115C>T, p.Thr372Met (NM_006359.3); c.1115C>T (NM_006359.2); short protein forms T352M, T320M, T404M, T372M.
Identifiers: ClinVar variation 1395781 (VCV001395781.9), dbSNP rs782819852, ClinGen allele CA10524757.